The following is an entry in ClinVar:

NM_002693.3(POLG):c.3488_3499del (p.Met1163_Tyr1166del)

Gene: POLG (DNA polymerase gamma, catalytic subunit; minus strand). Cytogenetic location: 15q26.1.
Variant type: Deletion.
Coding change: c.3488_3499del on transcript NM_002693.3 (MANE Select); coding-DNA positions 3488 to 3499, 12 bases deleted (TGTTTGCCTACA).
Protein change: p.Met1163_Tyr1166del.
Genome position (GRCh38, 1-based): chr15:89,317,520-89,317,531, TGTAGGCAAACA deleted on the plus strand (TGTTTGCCTACA on the coding strand, the reverse complement: POLG is on the minus strand); deleting any 12 consecutive bases within chr15:89,317,520-89,317,533 gives the same sequence; the c. name uses the placement nearest the transcript's 3' end. VCF-style (leftmost placement, unchanged base first): chr15-89317519-TTGTAGGCAAACA-T. GRCh37 (hg19) VCF-style: chr15-89860750-TTGTAGGCAAACA-T.
Other names: c.3488_3499del, p.Met1163_Tyr1166del (NM_001126131.2).
Identifiers: ClinVar variation 3685325 (VCV003685325.3).

ClinVar aggregate classification (germline): Uncertain significance. Review status: criteria provided, multiple submitters, no conflicts (2 of 4 stars). 2 submissions from 2 submitters: Uncertain significance (2). Last evaluated 2025-10-17.

Conditions:
Progressive sclerosing poliodystrophy (MTDPS4A). Also called: Alpers Syndrome; ALPERS DIFFUSE DEGENERATION OF CEREBRAL GRAY MATTER WITH HEPATIC CIRRHOSIS; Mitochondrial DNA depletion syndrome 4A (Alpers type); Alpers-Huttenlocher Syndrome (AHS); Alpers-Huttenlocher Syndrome; ALPERS PROGRESSIVE INFANTILE POLIODYSTROPHY. Identifiers: Orphanet 726, MedGen C0205710, MONDO:0008758, OMIM 203700.
POLG-related disorder. Also called: POLG-Related Spectrum Disorders; POLG-related condition; POLG-Related Disorders. Identifiers: MedGen C4763519.

Submissions (2):

Myriad Genetics, Inc.
Classification: Uncertain significance for POLG-related disorder. Last evaluated: 2025-10-17. Review status: criteria provided, single submitter. Criteria: Myriad Autosomal Dominant, Autosomal Recessive and X-Linked Classification Criteria (2023). Collection method: clinical testing. Allele origin: unknown.
Comment: NM_002693.2(POLG):c.3488_3499del12(M1163_Y1166del) is an in-frame deletion classified as a variant of uncertain significance in the context of POLG-related disorders. M1163_Y1166del has not been observed in cases with relevant disease. Relevant functional assessments of this variant are not available in the literature. M1163_Y1166del has not been observed in referenced population frequency databases. In summary, there is insufficient evidence to classify NM_002693.2(POLG):c.3488_3499del12(M1163_Y1166del) as pathogenic or benign. Please note: this variant was assessed in the context of healthy population screening.

Labcorp Genetics (formerly Invitae), Labcorp
Classification: Uncertain significance for Progressive sclerosing poliodystrophy. Last evaluated: 2025-02-11. Review status: criteria provided, single submitter. Criteria: Invitae Variant Classification Sherloc (09022015). Collection method: clinical testing. Allele origin: germline.
Comment: This variant, c.3488_3499del, results in the deletion of 4 amino acid(s) of the POLG protein (p.Met1163_Tyr1166del), but otherwise preserves the integrity of the reading frame. This variant is not present in population databases (gnomAD no frequency). This variant has not been reported in the literature in individuals affected with POLG-related conditions. This variant disrupts a region of the POLG protein in which other variant(s) (clinical features of autosomal recessive POLG-related conditions) have been observed in individuals with POLG-related conditions (PMID: 16896309). This suggests that this is a clinically significant region of the protein, and that variants that disrupt it are likely to be disease-causing. In summary, the available evidence is currently insufficient to determine the role of this variant in disease. Therefore, it has been classified as a Variant of Uncertain Significance.

Literature cited by the submitters: PubMed 16896309 (cited by Labcorp Genetics (formerly Invitae), Labcorp).